The following is an entry in ClinVar:

NM_004999.4(MYO6):c.1546+7_1546+8del

Gene: MYO6 (myosin VI; plus strand). Cytogenetic location: 6q14.1.
Variant type: Microsatellite.
Coding change: c.1546+7_1546+8del on transcript NM_004999.4 (MANE Select); bases 7 to 8 of the intron after coding-DNA position 1546, 2 bases deleted (GT; older notation c.1546+7_1546+8delGT).
Molecular consequence: intron variant.
Genome position (GRCh38, 1-based): chr6:75,861,102-75,861,103, GT deleted; deleting any 2 consecutive bases within chr6:75,861,099-75,861,103 gives the same sequence; the c. name uses the placement nearest the transcript's 3' end. VCF-style (leftmost placement, unchanged base first): chr6-75861098-ATG-A. GRCh37 (hg19) VCF-style: chr6-76570815-ATG-A.
Other names: c.1546+7_1546+8del (NM_001368865.1, NM_001368866.1, NM_001368137.1 and 2 more transcripts); c.1531+7_1531+8del (NM_001368138.1).
Identifiers: ClinVar variation 45137 (VCV000045137.21), dbSNP rs3831003, ClinGen allele CA135598.

ClinVar aggregate classification (germline): Benign. Review status: criteria provided, multiple submitters, no conflicts (2 of 4 stars). 4 submissions from 4 submitters: Benign (4). Last evaluated 2026-02-01.

Conditions:
Autosomal dominant nonsyndromic hearing loss 22. Also called: Autosomal dominant nonsyndromic deafness 22; DFNA 22. Identifiers: Orphanet 228012, MedGen C2931767, MONDO:0011660, OMIM 606346.
Autosomal recessive nonsyndromic hearing loss 37. Identifiers: Orphanet 90636, MedGen C1843028, MONDO:0011912, OMIM 607821.

Submissions (4):

Labcorp Genetics (formerly Invitae), Labcorp
Classification: Benign. Last evaluated: 2026-02-01. Review status: criteria provided, single submitter. Criteria: Invitae Variant Classification Sherloc (09022015). Collection method: clinical testing. Allele origin: germline.

Fulgent Genetics
Classification: Benign for Autosomal dominant nonsyndromic hearing loss 22; Autosomal recessive nonsyndromic hearing loss 37. Last evaluated: 2021-07-30. Review status: criteria provided, single submitter. Criteria: ACMG Guidelines, 2015. Collection method: clinical testing. Allele origin: unknown.

GeneDx
Classification: Benign. Last evaluated: 2018-07-09. Review status: criteria provided, single submitter. Criteria: GeneDx Variant Classification Process June 2021. Collection method: clinical testing. Allele origin: germline. Affected: yes.

Laboratory for Molecular Medicine, Mass General Brigham Personalized Medicine
Classification: Benign. Last evaluated: 2012-08-14. Review status: criteria provided, single submitter. Criteria: LMM Criteria. Collection method: clinical testing. Allele origin: germline. Observed: 43 variant alleles.
Comment: 1546+7_1546+8del in intron 15 of MYO6: This variant is not expected to have clin ical significance because it has been identified in 16% (93/572) of Asian chromo somes by 1000 Genomes Project (dbSNP rs138200430).